The following is an entry in ClinVar:

NM_001963.6(EGF):c.1180C>T (p.Arg394Ter)

Gene: EGF (epidermal growth factor; plus strand). Cytogenetic location: 4q25.
Variant type: single nucleotide variant.
Coding change: c.1180C>T on transcript NM_001963.6 (MANE Select); coding-DNA position 1180, C replaced by T.
Protein change: p.Arg394Ter; replaces arginine 394 with a stop codon.
Molecular consequence: nonsense.
Genome position (GRCh38, 1-based): chr4:109,960,980, C>T. VCF-style: chr4-109960980-C-T. GRCh37 (hg19) VCF-style: chr4-110882136-C-T.
Other names: c.1180C>T, p.Arg394Ter (NM_001178130.3); c.1054C>T, p.Arg352Ter (NM_001178131.3, NM_001357021.2); short protein forms R394*, R352*.
Identifiers: ClinVar variation 632424 (VCV000632424.6), dbSNP rs369702571, ClinGen allele CA3043591.

ClinVar aggregate classification (germline): Uncertain significance. Review status: criteria provided, multiple submitters, no conflicts (2 of 4 stars). 2 submissions from 2 submitters: Uncertain significance (2). Last evaluated 2023-10-19.

Conditions:
Renal hypomagnesemia 4. Also called: HYPOMAGNESEMIA, RENAL, NORMOCALCIURIC. Identifiers: Orphanet 34527, MedGen C2673648, MONDO:0012717, OMIM 611718.

Allele frequency attached by ClinVar (database versions not stated): gnomAD exomes 0.00001 and 0.00002; TOPMed 0.00001; ExAC 0.00003; gnomAD 0.00003 and 0.00004; ESP Exome Variant Server 0.00015; 1000 Genomes Project 30x 0.00016; 1000 Genomes Project 0.00020.
gnomAD v4.1: 21 of 1,613,794 alleles (0.0013%); highest among the groups gnomAD compares: Middle Eastern, 0.017%; no homozygotes.

Submissions (2):

Women's Health and Genetics/Laboratory Corporation of America, LabCorp
Classification: Uncertain significance. Last evaluated: 2023-10-19. Review status: criteria provided, single submitter. Criteria: LabCorp Variant Classification Summary - May 2015. Collection method: clinical testing. Allele origin: germline.
Comment: Variant summary: EGF c.1180C>T (p.Arg394X) results in a premature termination codon, predicted to cause absence of the protein due to nonsense mediated decay, however current evidence is not sufficient to establish loss-of-function variants in EGF as causative of disease. The variant allele was found at a frequency of 1.6e-05 in 251340 control chromosomes. The available data on variant occurrences in the general population are insufficient to allow any conclusion about variant significance. To our knowledge, no occurrence of c.1180C>T in individuals affected with Hypomagnesemia 4, Renal and no experimental evidence demonstrating its impact on protein function have been reported. Two submitters have cited clinical-significance assessments for this variant to ClinVar after 2014. Both submitters classified the variant as uncertain significance. Based on the evidence outlined above, the variant was classified as uncertain significance.

Fulgent Genetics
Classification: Uncertain significance for Renal hypomagnesemia 4. Last evaluated: 2022-03-11. Review status: criteria provided, single submitter. Criteria: ACMG Guidelines, 2015. Collection method: clinical testing. Allele origin: unknown.